The following is an entry in ClinVar:

ClinVar aggregate classification (germline): Benign/Likely benign. Review status: criteria provided, multiple submitters, no conflicts (2 of 4 stars). 12 submissions from 12 submitters: Benign (8); Likely benign (2). 2 of the submissions do not count toward it. Last evaluated 2026-02-02.

Conditions:
Hereditary cancer-predisposing syndrome. Also called: Tumor predisposition; Hereditary neoplastic syndrome; Neoplastic Syndromes, Hereditary; Hereditary Cancer Syndrome. Identifiers: Orphanet 140162, MedGen C0027672, MeSH D009386, MONDO:0015356.
Fanconi anemia (FA). Also called: Fanconi's anemia. Identifiers: Orphanet 84, MedGen C0015625, MeSH D005199, MONDO:0019391.
Fanconi anemia complementation group C (FANCC). Also called: Fanconi anemia, group C; FANCC-Related Fanconi Anemia; FANCONI PANCYTOPENIA, TYPE 3; FACC. Identifiers: Orphanet 84, MedGen C3468041, MONDO:0009213, OMIM 227645.
Malignant tumor of breast. Also called: Malignant breast neoplasm; Cancer breast. Identifiers: MedGen C0006142, MONDO:0007254. Disease mechanism: loss of function.

Allele frequency attached by ClinVar (database versions not stated): gnomAD exomes 0.00073 and 0.00187; ExAC 0.00253; 1000 Genomes Project 0.00719; gnomAD 0.00758 and 0.00811; 1000 Genomes Project 30x 0.00765; TOPMed 0.00825; ESP Exome Variant Server 0.00915.
gnomAD v4.1: 2,248 of 1,613,362 alleles (0.14%); highest among the groups gnomAD compares: African/African-American, 2.7%; 35 homozygotes.

Submissions (15):

Labcorp Genetics (formerly Invitae), Labcorp
Classification: Benign for Fanconi anemia. Last evaluated: 2026-02-02. Review status: criteria provided, single submitter. Criteria: Invitae Variant Classification Sherloc (09022015). Collection method: clinical testing. Allele origin: germline.

Quest Diagnostics Nichols Institute San Juan Capistrano
Classification: Benign. Last evaluated: 2025-08-11. Review status: criteria provided, single submitter. Criteria: Quest Diagnostics criteria. Collection method: clinical testing. Allele origin: unknown.

Molecular Diagnostics Laboratory, Catalan Institute of Oncology
Classification: Benign for Hereditary cancer-predisposing syndrome. Last evaluated: 2025-05-18. Review status: criteria provided, single submitter. Criteria: ACMG Guidelines, 2015. Collection method: clinical testing. Allele origin: germline.
Comment: BA1, BS2, BP4 FANCC: c.1330-3C>T is an intronic variant located close to a canonical splice site. The variant allele was found in 622/23502 alleles, with a filtering allele frequency of 2.4% at 99% confidence, within the African population in the gnomAD v2.1.1 database (non-cancer data set) (BA1). The SpliceAI algorithm predicts no significant impact on splicing (BP4). To our knowledge, neither relevant clinical data nor well-established functional studies have been reported for this variant. This variant has been observed in homozygous state in multiple healthy individuals (BS2). This variant has been reported in the ClinVar database (9x benign, 2x likely benign) and LOVD (1x benign). Based on currently available information, the variant c.1330-3C>T should be considered a benign variant, according to ACMG/AMP classification guidelines.

KCCC/NGS Laboratory, Kuwait Cancer Control Center
Classification: Benign for Fanconi anemia complementation group C. Last evaluated: 2023-07-07. Review status: criteria provided, single submitter. Criteria: ACMG Guidelines, 2015. Collection method: clinical testing. Allele origin: germline. Affected: yes.

Ambry Genetics
Classification: Likely benign for Hereditary cancer-predisposing syndrome. Last evaluated: 2018-09-10. Review status: criteria provided, single submitter. Criteria: Ambry Variant Classification Scheme 2023. Collection method: clinical testing. Allele origin: germline.

Illumina Laboratory Services, Illumina
Classification: Benign for Fanconi anemia complementation group C. Last evaluated: 2018-01-13. Review status: criteria provided, single submitter. Criteria: ICSL Variant Classification Criteria 13 December 2019. Collection method: clinical testing. Allele origin: germline.
Comment: This variant was observed in the ICSL laboratory as part of a predisposition screen in an ostensibly healthy population. It had not been previously curated by ICSL or reported in the Human Gene Mutation Database (HGMD: prior to June 1st, 2018), and was therefore a candidate for classification through an automated scoring system. Utilizing variant allele frequency, disease prevalence and penetrance estimates, and inheritance mode, an automated score was calculated to assess if this variant is too frequent to cause the disease. Based on the score and internal cut-off values, a variant classified as benign is not then subjected to further curation. The score for this variant resulted in a classification of benign for this disease.

Genetic Services Laboratory, University of Chicago
Classification: Benign. Last evaluated: 2016-10-28. Review status: criteria provided, single submitter. Criteria: ACMG Guidelines, 2015. Collection method: clinical testing. Allele origin: germline. Affected: no.

Women's Health and Genetics/Laboratory Corporation of America, LabCorp
Classification: Benign. Last evaluated: 2016-04-29. Review status: criteria provided, single submitter. Criteria: LabCorp Variant Classification Summary - May 2015. Collection method: clinical testing. Allele origin: germline.
Comment: Variant summary: c.1330-3C>T in CDC73 gene is an intronic change that involves a non-conserved nucleotide. 5/5 programs in Alamut predict that this variant does not affect normal splicing, however no functional studies supporting this notion were published at the time of evaluation. The variant is present in the control population dataset of ExAC at frequency of 0.0025 (279/110282 chrs tested), predominantly in individuals of African descent (0.027; 265/9592 chrs tested) including one homozygous occurrence. The observed frequencies exceed the maximum expected allele frequency for a pathogenic variant of 0.0017%, suggesting that it is a benign polymorphism. The variant of interest has been reported as Benign/Polymorphism by reputable databases/clinical laboratories. Taking together, based on the prevalence of this variant in general population the variant was classified as Benign.

GeneDx
Classification: Benign. Last evaluated: 2015-03-03. Review status: criteria provided, single submitter. Criteria: GeneDx Variant Classification Process June 2021. Collection method: clinical testing. Allele origin: germline. Affected: yes.

Breakthrough Genomics
Classification: Likely benign. Review status: criteria provided, single submitter. Criteria: ACMG Guidelines, 2015. Collection method: not provided. Allele origin: germline. Inheritance: Autosomal recessive inheritance. Affected: yes.

Natera, Inc.
Classification: Benign for Fanconi anemia. Last evaluated: 2020-04-09. Review status: no assertion criteria provided. Collection method: clinical testing. Allele origin: germline. Not counted in ClinVar's aggregate classification.

Department of Pathology and Laboratory Medicine, Sinai Health System
Classification: Benign for Malignant tumor of breast. Review status: no assertion criteria provided. Collection method: clinical testing. Allele origin: unknown. Affected: yes. Study: The Canadian Open Genetics Repository (COGR). Not counted in ClinVar's aggregate classification.
Comment: The FANCC c.1330-3C>T variant was not identified in the literature nor was it identified in the Cosmic and MutDB databases. The variant was identified in dbSNP (ID: rs4647542) as â€šÃ„ÃºWith Likely benign alleleâ€šÃ„Ã¹, ClinVar (as benign by University of Chicago and Invitae and as likely benign by Ambry Genetics), Clinvitae, and LOVD 3.0 (not classified). The variant was identified in control databases in 678 of 275572 chromosomes (10 homozygous) at a frequency of 0.00246 increasing the likelihood this could be a low frequency benign variant (Genome Aggregation Database Feb 27, 2017). Breakdown of the observations by population include African in 635 (10 homozygous) of 23930 chromosomes (freq: 0.02654), Other in 7 of 6444 chromosomes (freq: 0.001086), Latino in 29 of 34322 chromosomes (freq: 0.000845), European (Non-Finnish) in 7 of 125860 chromosomes (freq: 0.000056), while the variant was not observed in the Ashkenazi Jewish, East Asian, European (Finnish), and South Asian populations. The c.1330-3C>T variant is located in the 3' splice region but does not affect the invariant -1 and -2 positions. However, positions -3 and -5 to -12 are part of the splicing consensus sequence and variants involving these positions sometimes affect splicing; in silico or computational prediction software programs (SpliceSiteFinder, MaxEntScan, NNSPLICE, GeneSplicer, HumanSpliceFinder) do not predict a difference in splicing. In summary, based on the above information this variant meets our laboratory's criteria to be classified as benign.

Dr. Peter K. Rogan Lab, Western University
No classification provided (evidence only). Condition: Lung cancer. Review status: no classification provided. Collection method: in vitro. Allele origin: not applicable. Functional consequence: retained intron. Not counted in ClinVar's aggregate classification.

Dr. Peter K. Rogan Lab, Western University
No classification provided (evidence only). Condition: Uterine corpus endometrial carcinoma. Review status: no classification provided. Collection method: in vitro. Allele origin: not applicable. Functional consequence: retained intron. Not counted in ClinVar's aggregate classification.

Dr. Peter K. Rogan Lab, Western University
No classification provided (evidence only). Condition: Uterine corpus endometrial carcinoma. Review status: no classification provided. Collection method: in vitro. Allele origin: not applicable. Functional consequence: retained intron. Not counted in ClinVar's aggregate classification.

NM_000136.3(FANCC):c.1330-3C>T

Genes: FANCC (FA complementation group C; minus strand), AOPEP (aminopeptidase O (putative); plus strand). Cytogenetic location: 9q22.32.
Variant type: single nucleotide variant.
Coding change: c.1330-3C>T on transcript NM_000136.3 (MANE Select); 3 bases into the intron before coding-DNA position 1330, C replaced by T.
Molecular consequence: intron variant.
Genome position (GRCh38, 1-based): chr9:95,107,272, G>A on the plus strand (C>T on the coding strand, the complement: FANCC is on the minus strand). VCF-style: chr9-95107272-G-A. GRCh37 (hg19) VCF-style: chr9-97869554-G-A.
Other names: c.1330-3C>T (NM_001243743.2).
Identifiers: ClinVar variation 210976 (VCV000210976.37), dbSNP rs4647542, ClinGen allele CA206827.
Genomic context (GRCh38, chr9:95,107,272, plus strand): 5'-AGAGGCTGCTGCTTCTGGACATTGCCAGGAGGTGGCCCAGCACGGCCTTCACCTGGACCT[G>A]GGCAATAGTATTTCACAGGGGAGAGGTTAGGAAGAGGCAGGACAGACATACTTCTAGGAT-3'